The following is an entry in ClinVar:

ClinVar aggregate classification (germline): Pathogenic (1 of 4 stars; one submission).

Conditions:
Inborn genetic diseases. Identifiers: MedGen C0950123, MeSH D030342.

Submission:

Ambry Genetics
Classification: Pathogenic for Inborn genetic diseases. Last evaluated: 2020-04-06. Review status: criteria provided, single submitter. Criteria: Ambry Variant Classification Scheme 2023. Collection method: clinical testing. Allele origin: germline.
Comment: The c.1134_1147dup14 (p.F383*) alteration, located in coding exon 8 of the SCN1A gene, results from a duplication of 14 nucleotides from position 1134 to 1147, causing a translational frameshift with a predicted alternate stop codon. This alteration is expected to result in loss of function by premature protein truncation or nonsense-mediated mRNA decay._x000D_ _x000D_ for Dravet syndrome; however, its clinical significance for SCN1A-related generalized epilepsy with febrile seizures plus, SCN1A-related developmental and epileptic encephalopathy, and SCN1A-related hemiplegic migraine is uncertain. This variant was not reported in population-based cohorts in the Genome Aggregation Database (gnomAD). Based on the available evidence, this alteration is classified as pathogenic.

NM_001165963.4(SCN1A):c.1134_1147dup (p.Phe383Ter)

Gene: SCN1A (sodium voltage-gated channel alpha subunit 1; minus strand). Cytogenetic location: 2q24.3.
Variant type: Duplication.
Coding change: c.1134_1147dup on transcript NM_001165963.4 (MANE Select); coding-DNA positions 1134 to 1147, 14 bases duplicated (AATGACTCAGGACT).
Protein change: p.Phe383Ter; replaces phenylalanine 383 with a stop codon.
Molecular consequence: nonsense. On other transcripts: 5 prime UTR variant (1), non-coding transcript variant (1).
Genome position (GRCh38, 1-based): chr2:166,047,650-166,047,663, AGTCCTGAGTCATT duplicated on the plus strand (AATGACTCAGGACT on the coding strand, the reverse complement: SCN1A is on the minus strand); duplicating any 14 consecutive bases within chr2:166,047,650-166,047,667 gives the same sequence; the c. name uses the placement nearest the transcript's 3' end. VCF-style (leftmost placement, unchanged base first): chr2-166047649-A-AAGTCCTGAGTCATT. GRCh37 (hg19) VCF-style: chr2-166904159-A-AAGTCCTGAGTCATT.
Other names: c.1134_1147dup, p.Phe383Ter (NM_001165964.3, NM_001202435.3, NM_001353948.2 and 10 more transcripts); c.-1292_-1279dup (NM_001353961.2); short protein forms F383*.
Identifiers: ClinVar variation 985837 (VCV000985837.4), dbSNP rs1698001843, ClinGen allele CA1139655674.